The following is an entry in ClinVar:

NM_001100.4(ACTA1):c.620A>T (p.Glu207Val)

Gene: ACTA1 (actin alpha 1, skeletal muscle; minus strand). Cytogenetic location: 1q42.13.
Variant type: single nucleotide variant.
Coding change: c.620A>T on transcript NM_001100.4 (MANE Select); coding-DNA position 620, A replaced by T.
Protein change: p.Glu207Val; replaces glutamic acid 207 with valine.
Molecular consequence: missense variant.
Genome position (GRCh38, 1-based): chr1:229,432,182, T>A on the plus strand (A>T on the coding strand, the complement: ACTA1 is on the minus strand). VCF-style: chr1-229432182-T-A. GRCh37 (hg19) VCF-style: chr1-229567929-T-A.
Other names: short protein forms E207V.
Identifiers: ClinVar variation 2849834 (VCV002849834.3), dbSNP rs2527437435, ClinGen allele CA345147522.

ClinVar aggregate classification (germline): Pathogenic (1 of 4 stars; one submission).

Conditions:
Actin accumulation myopathy (CMYO2A). Also called: CONGENITAL MYOPATHY 2A, TYPICAL, AUTOSOMAL DOMINANT; Myopathy, actin, congenital, with cores; Nemaline myopathy 3, with intranuclear rods; Nemaline myopathy type 3; Myopathy, actin, congenital, with excess of thin myofilaments. Identifiers: Orphanet 98904, MedGen C3711389, MONDO:0008070, OMIM 161800.

Submission:

Labcorp Genetics (formerly Invitae), Labcorp
Classification: Pathogenic for Actin accumulation myopathy. Last evaluated: 2024-01-22. Review status: criteria provided, single submitter. Criteria: Invitae Variant Classification Sherloc (09022015). Collection method: clinical testing. Allele origin: germline.
Comment: This sequence change replaces glutamic acid, which is acidic and polar, with valine, which is neutral and non-polar, at codon 207 of the ACTA1 protein (p.Glu207Val). This variant is not present in population databases (gnomAD no frequency). This missense change has been observed in individual(s) with clinical features of autosomal dominant ACTA1-related conditions (Invitae). In at least one individual the variant was observed to be de novo. Advanced modeling of protein sequence and biophysical properties (such as structural, functional, and spatial information, amino acid conservation, physicochemical variation, residue mobility, and thermodynamic stability) performed at Invitae indicates that this missense variant is expected to disrupt ACTA1 protein function with a positive predictive value of 80%. This variant disrupts the p.Glu207 amino acid residue in ACTA1. Other variant(s) that disrupt this residue have been observed in individuals with ACTA1-related conditions (PMID: 18976909, 19562689), which suggests that this may be a clinically significant amino acid residue. For these reasons, this variant has been classified as Pathogenic.

Literature cited by the submitters: PubMed 18976909; PubMed 19562689.